The following is an entry in ClinVar:

NM_001354604.2(MITF):c.483A>T (p.Pro161=)

Gene: MITF (melanocyte inducing transcription factor; plus strand). Cytogenetic location: 3p13.
Variant type: single nucleotide variant.
Coding change: c.483A>T on transcript NM_001354604.2 (MANE Select); coding-DNA position 483, A replaced by T.
Protein change: p.Pro161=; no amino-acid change (proline 161 retained).
Molecular consequence: synonymous variant. On other transcripts: intron variant (1).
Genome position (GRCh38, 1-based): chr3:69,937,950, A>T. VCF-style: chr3-69937950-A-T. GRCh37 (hg19) VCF-style: chr3-69987101-A-T.
Other names: c.327A>T, p.Pro109= (NM_001184967.2, NM_001354608.2); c.162A>T, p.Pro54= (NM_001184968.2, NM_198158.3, NM_000248.4); c.480A>T, p.Pro160= (NM_001354605.2, NM_001354606.2, NM_006722.3); c.432A>T, p.Pro144= (NM_001354607.2); c.483A>T, p.Pro161= (NM_198159.3); c.435A>T, p.Pro145= (NM_198177.3); c.93+69A>T (NM_198178.3).
Identifiers: ClinVar variation 2662285 (VCV002662285.2), dbSNP rs1252317154, ClinGen allele CA434433367.
Genomic context (GRCh38, chr3:69,937,950, plus strand): 5'-GTACCTTTCTACCACTTTAGCAAATAAACATGCCAACCAAGTCCTGAGCTTGCCATGTCC[A>T]AACCAGCCTGGCGATCATGTCATGCCACCGGTGCCGGGGAGCAGCGCACCCAACAGCCCC-3'
Protein context (NP_001341533.1, residues 151-171): HANQVLSLPC[Pro161=]NQPGDHVMPP

ClinVar aggregate classification (germline): Conflicting classifications of pathogenicity. Review status: criteria provided, conflicting classifications (1 of 4 stars). 2 submissions from 2 submitters: Uncertain significance (1); Likely benign (1). Last evaluated 2026-07-14.

Conditions:
Hereditary cancer-predisposing syndrome. Also called: Hereditary neoplastic syndrome; Hereditary Cancer Syndrome; Neoplastic Syndromes, Hereditary; Tumor predisposition. Identifiers: Orphanet 140162, MedGen C0027672, MeSH D009386, MONDO:0015356.

gnomAD v4.1: 1 of 1,614,156 alleles (0.000062%); highest among the groups gnomAD compares: South Asian, 0.0011%; no homozygotes.

Submissions (2):

Ambry Genetics
Classification: Likely benign for Hereditary cancer-predisposing syndrome. Last evaluated: 2026-07-14. Review status: criteria provided, single submitter. Criteria: Ambry Variant Classification Scheme 2023. Collection method: clinical testing. Allele origin: germline.

GeneDx
Classification: Uncertain significance. Last evaluated: 2023-04-16. Review status: criteria provided, single submitter. Criteria: GeneDx Variant Classification Process June 2021. Collection method: clinical testing. Allele origin: germline. Affected: yes.
Comment: Not observed at significant frequency in large population cohorts (gnomAD); In silico analysis supports that this variant does not alter splicing; Has not been previously published as pathogenic or benign to our knowledge